The following is an entry in ClinVar:

NM_015346.4(ZFYVE26):c.886+303A>G

Gene: ZFYVE26 (zinc finger FYVE-type containing 26; minus strand). Cytogenetic location: 14q24.1.
Variant type: single nucleotide variant.
Coding change: c.886+303A>G on transcript NM_015346.4 (MANE Select); 303 bases into the intron after coding-DNA position 886, A replaced by G.
Molecular consequence: intron variant.
Genome position (GRCh38, 1-based): chr14:67,807,095, T>C on the plus strand (A>G on the coding strand, the complement: ZFYVE26 is on the minus strand). VCF-style: chr14-67807095-T-C. GRCh37 (hg19) VCF-style: chr14-68273812-T-C.
Identifiers: ClinVar variation 669974 (VCV000669974.1), dbSNP rs181574, ClinGen allele CA13979402.
Genomic context (GRCh38, chr14:67,807,095, plus strand): 5'-TCTTCCTGCCTCAGCCTTCCTGCCTGTGGTTCAAGTAGCTTGAACCACAGGTGTGTGCCA[T>C]CACGCCTAGCTAATTTCTAAATTTTTTTTGTAGAGATGGGAACTCACTATGTTGCAGAGG-3'

ClinVar aggregate classification (germline): Benign (1 of 4 stars; one submission).

Allele frequency attached by ClinVar (database versions not stated): gnomAD 0.68676 and 0.69314; TOPMed 0.69578; 1000 Genomes Project 30x 0.77951; 1000 Genomes Project 0.78175.
gnomAD v4.1: 105,254 of 151,930 alleles (69%); highest among the groups gnomAD compares: East Asian, 98%; 36,921 homozygotes.

Submission:

GeneDx
Classification: Benign. Last evaluated: 2018-06-14. Review status: criteria provided, single submitter. Criteria: GeneDx Variant Classification (06012015). Collection method: clinical testing. Allele origin: germline. Affected: yes.
Comment: This variant is considered likely benign or benign based on one or more of the following criteria: it is a conservative change, it occurs at a poorly conserved position in the protein, it is predicted to be benign by multiple in silico algorithms, and/or has population frequency not consistent with disease.